The following is an entry in ClinVar:

NM_003718.5(CDK13):c.497C>G (p.Thr166Arg)

Gene: CDK13 (cyclin dependent kinase 13; plus strand). Cytogenetic location: 7p14.1.
Variant type: single nucleotide variant.
Coding change: c.497C>G on transcript NM_003718.5 (MANE Select); coding-DNA position 497, C replaced by G.
Protein change: p.Thr166Arg; replaces threonine 166 with arginine.
Molecular consequence: missense variant.
Genome position (GRCh38, 1-based): chr7:39,951,138, C>G. VCF-style: chr7-39951138-C-G. GRCh37 (hg19) VCF-style: chr7-39990737-C-G.
Other names: c.497C>G, p.Thr166Arg (NM_031267.4); short protein forms T166R.
Identifiers: ClinVar variation 4072508 (VCV004072508.2).
Genomic context (GRCh38, chr7:39,951,138, plus strand): 5'-ACGAGGATGTGAGCTCCCAGTCCGAGCAGGGGCTGCTGCTGGGGGGGGCCAGCGCGGCAA[C>G]GGCGGCGACGGCTGCCGGGGGAACGGGGGGCAGCGGCGGGAGTCCGGCCTCCTCCTCCGG-3'
Protein context (NP_003709.3, residues 156-176): GLLLGGASAA[Thr166Arg]AATAAGGTGG

ClinVar aggregate classification (germline): Uncertain significance. Review status: criteria provided, multiple submitters, no conflicts (2 of 4 stars). 2 submissions from 2 submitters: Uncertain significance (2). Last evaluated 2025-09-25.

Conditions:
Inborn genetic diseases. Identifiers: MedGen C0950123, MeSH D030342.

gnomAD v4.1: 49 of 1,242,010 alleles (0.0039%); highest among the groups gnomAD compares: Middle Eastern, 0.024%; no homozygotes.

Submissions (2):

Ambry Genetics
Classification: Uncertain significance for Inborn genetic diseases. Last evaluated: 2025-09-25. Review status: criteria provided, single submitter. Criteria: Ambry Variant Classification Scheme 2023. Collection method: clinical testing. Allele origin: germline.

GeneDx
Classification: Uncertain significance. Last evaluated: 2025-01-27. Review status: criteria provided, single submitter. Criteria: GeneDx Variant Classification Process June 2021. Collection method: clinical testing. Allele origin: germline. Affected: yes.
Comment: In silico analysis indicates that this missense variant does not alter protein structure/function; Has not been previously published as pathogenic or benign to our knowledge